The following is an entry in ClinVar:

NM_001148.6(ANK2):c.2123T>G (p.Val708Gly)

Gene: ANK2 (ankyrin 2; plus strand). Cytogenetic location: 4q26.
Variant type: single nucleotide variant.
Coding change: c.2123T>G on transcript NM_001148.6 (MANE Select); coding-DNA position 2123, T replaced by G.
Protein change: p.Val708Gly; replaces valine 708 with glycine.
Molecular consequence: missense variant.
Genome position (GRCh38, 1-based): chr4:113,287,648, T>G. VCF-style: chr4-113287648-T-G. GRCh37 (hg19) VCF-style: chr4-114208804-T-G.
Other names: c.1961T>G, p.Val654Gly (NM_001354253.2, NM_001354257.2, NM_001354270.2 and 1 more transcripts); c.2060T>G, p.Val687Gly (NM_001354254.2, NM_001354255.2, NM_001354256.2 and 10 more transcripts); c.2123T>G, p.Val708Gly (NM_001354258.2, NM_001354246.2, NM_001354225.2 and 6 more transcripts); c.1937T>G, p.Val646Gly (NM_001354260.2, NM_001354271.2, NM_001386151.1); c.2081T>G, p.Val694Gly (NM_001354261.2, NM_001386147.1, NM_001386160.1); c.2036T>G, p.Val679Gly (NM_001354264.2, NM_001354274.2, NM_001354276.2 and 10 more transcripts); c.1838T>G, p.Val613Gly (NM_001354277.2, NM_001386157.1); c.2168T>G, p.Val723Gly (NM_001386144.1, NM_001354240.2, NM_001354241.2 and 5 more transcripts); and 8 more; short protein forms V646G, V679G, V704G, V723G, V638G, V642G, V696G, V580G.
Identifiers: ClinVar variation 4088107 (VCV004088107.1).

ClinVar aggregate classification (germline): Likely pathogenic (1 of 4 stars; one submission).

Submission:

GeneDx
Classification: Likely pathogenic. Last evaluated: 2025-03-24. Review status: criteria provided, single submitter. Criteria: GeneDx Variant Classification Process June 2021. Collection method: clinical testing. Allele origin: germline. Affected: yes.
Comment: Not observed at significant frequency in large population cohorts (gnomAD); In silico analysis supports that this missense variant has a deleterious effect on protein structure/function; Has not been previously published as pathogenic or benign to our knowledge